The following is an entry in ClinVar:

ClinVar aggregate classification (germline): Pathogenic (1 of 4 stars; one submission).

Conditions:
Primary ciliary dyskinesia. Also called: Ciliary dyskinesia. Identifiers: Orphanet 244, MedGen C0008780, MONDO:0016575, HP:0012265.

Submission:

Labcorp Genetics (formerly Invitae), Labcorp
Classification: Pathogenic for Primary ciliary dyskinesia. Last evaluated: 2022-01-19. Review status: criteria provided, single submitter. Criteria: Invitae Variant Classification Sherloc (09022015). Collection method: clinical testing. Allele origin: germline.
Comment: This variant is not present in population databases (gnomAD no frequency). This sequence change creates a premature translational stop signal (p.Tyr2445*) in the DNAH5 gene. It is expected to result in an absent or disrupted protein product. Loss-of-function variants in DNAH5 are known to be pathogenic (PMID: 11788826, 16627867). This variant has not been reported in the literature in individuals affected with DNAH5-related conditions. For these reasons, this variant has been classified as Pathogenic.

Literature cited by the submitters: PubMed 11788826; PubMed 16627867.

NM_001369.3(DNAH5):c.7335_7336del (p.Tyr2445_Lys2446delinsTer)

Gene: DNAH5 (dynein axonemal heavy chain 5; minus strand). Cytogenetic location: 5p15.2.
Variant type: Deletion.
Coding change: c.7335_7336del on transcript NM_001369.3 (MANE Select); coding-DNA positions 7335 to 7336, 2 bases deleted (CA; older notation c.7335_7336delCA).
Protein change: p.Tyr2445_Lys2446delinsTer.
Molecular consequence: nonsense.
Genome position (GRCh38, 1-based): chr5:13,811,718-13,811,719, TG deleted on the plus strand (CA on the coding strand, the reverse complement: DNAH5 is on the minus strand); deleting any 2 consecutive bases within chr5:13,811,718-13,811,720 gives the same sequence; the c. name uses the placement nearest the transcript's 3' end. VCF-style (leftmost placement, unchanged base first): chr5-13811717-TTG-T. GRCh37 (hg19) VCF-style: chr5-13811826-TTG-T.
Identifiers: ClinVar variation 2190093 (VCV002190093.4), dbSNP rs2546814400, ClinGen allele CA2580072035.
Genomic context (GRCh38, chr5:13,811,717, plus strand): 5'-ATCAGGCCTTGAAGCATGTTAATGCTCTGTGTGATGACAAAGGCCTCCAGCACCTCCATC[TTG>T]TATTCTAAGTTCTGGATACAGAAGCGATACAAGTCTGGGAAAGACTCGGTGTACAGCTGA-3'